The following is an entry in ClinVar:

ClinVar aggregate classification (germline): Uncertain significance (1 of 4 stars; one submission).

Allele frequency attached by ClinVar (database versions not stated): gnomAD exomes below 0.00001.
gnomAD v4.1: 2 of 1,574,232 alleles (0.00013%); highest among the groups gnomAD compares: Non-Finnish European, 0.00017%; no homozygotes.

Submission:

Labcorp Genetics (formerly Invitae), Labcorp
Classification: Uncertain significance. Last evaluated: 2021-09-05. Review status: criteria provided, single submitter. Criteria: Invitae Variant Classification Sherloc (09022015). Collection method: clinical testing. Allele origin: germline.
Comment: This sequence change replaces serine with glycine at codon 38 of the DVL1 protein (p.Ser38Gly). The serine residue is moderately conserved and there is a small physicochemical difference between serine and glycine. This variant is not present in population databases (ExAC no frequency). This variant has not been reported in the literature in individuals affected with DVL1-related conditions. Algorithms developed to predict the effect of missense changes on protein structure and function output the following: SIFT: "Tolerated"; PolyPhen-2: "Benign"; Align-GVGD: "Class C0". The glycine amino acid residue is found in multiple mammalian species, which suggests that this missense change does not adversely affect protein function. In summary, the available evidence is currently insufficient to determine the role of this variant in disease. Therefore, it has been classified as a Variant of Uncertain Significance.

NM_001330311.2(DVL1):c.112A>G (p.Ser38Gly)

Gene: DVL1 (dishevelled segment polarity protein 1; minus strand). Cytogenetic location: 1p36.33.
Variant type: single nucleotide variant.
Coding change: c.112A>G on transcript NM_001330311.2 (MANE Select); coding-DNA position 112, A replaced by G.
Protein change: p.Ser38Gly; replaces serine 38 with glycine.
Molecular consequence: missense variant.
Genome position (GRCh38, 1-based): chr1:1,348,954, T>C on the plus strand (A>G on the coding strand, the complement: DVL1 is on the minus strand). VCF-style: chr1-1348954-T-C. GRCh37 (hg19) VCF-style: chr1-1284334-T-C.
Other names: c.112A>G, p.Ser38Gly (NM_004421.3); short protein forms S38G.
Identifiers: ClinVar variation 1482144 (VCV001482144.6), dbSNP rs2100781645, ClinGen allele CA337879383.